The following is an entry in ClinVar:

ClinVar aggregate classification (germline): Uncertain significance (1 of 4 stars; one submission).

Submission:

Labcorp Genetics (formerly Invitae), Labcorp
Classification: Uncertain significance. Last evaluated: 2024-02-25. Review status: criteria provided, single submitter. Criteria: Invitae Variant Classification Sherloc (09022015). Collection method: clinical testing. Allele origin: germline.
Comment: This sequence change replaces glutamine, which is neutral and polar, with leucine, which is neutral and non-polar, at codon 1152 of the POLE protein (p.Gln1152Leu). This variant is not present in population databases (gnomAD no frequency). This variant has not been reported in the literature in individuals affected with POLE-related conditions. Advanced modeling of protein sequence and biophysical properties (such as structural, functional, and spatial information, amino acid conservation, physicochemical variation, residue mobility, and thermodynamic stability) performed at Invitae indicates that this missense variant is expected to disrupt POLE protein function with a positive predictive value of 80%. In summary, the available evidence is currently insufficient to determine the role of this variant in disease. Therefore, it has been classified as a Variant of Uncertain Significance.

NM_006231.4(POLE):c.3455A>T (p.Gln1152Leu)

Gene: POLE (DNA polymerase epsilon, catalytic subunit; minus strand). Cytogenetic location: 12q24.33.
Variant type: single nucleotide variant.
Coding change: c.3455A>T on transcript NM_006231.4 (MANE Select); coding-DNA position 3455, A replaced by T.
Protein change: p.Gln1152Leu; replaces glutamine 1152 with leucine.
Molecular consequence: missense variant.
Genome position (GRCh38, 1-based): chr12:132,657,353, T>A on the plus strand (A>T on the coding strand, the complement: POLE is on the minus strand). VCF-style: chr12-132657353-T-A. GRCh37 (hg19) VCF-style: chr12-133233939-T-A.
Other names: short protein forms Q1152L.
Identifiers: ClinVar variation 3674172 (VCV003674172.2).